The following is an entry in ClinVar:

NM_014244.5(ADAMTS2):c.3614_3617del (p.Lys1205fs)

Gene: ADAMTS2 (ADAM metallopeptidase with thrombospondin type 1 motif 2; minus strand). Cytogenetic location: 5q35.3.
Variant type: Microsatellite.
Coding change: c.3614_3617del on transcript NM_014244.5 (MANE Select); coding-DNA positions 3614 to 3617, 4 bases deleted (AAGA; older notation c.3614_3617delAAGA).
Protein change: p.Lys1205fs; shifts the reading frame from lysine 1205.
Molecular consequence: frameshift variant.
Genome position (GRCh38, 1-based): chr5:179,113,886-179,113,889, TCTT deleted on the plus strand (AAGA on the coding strand, the reverse complement: ADAMTS2 is on the minus strand); deleting any 4 consecutive bases within chr5:179,113,886-179,113,893 gives the same sequence; the c. name uses the placement nearest the transcript's 3' end. VCF-style (leftmost placement, unchanged base first): chr5-179113885-CTCTT-C. GRCh37 (hg19) VCF-style: chr5-178540886-CTCTT-C.
Other names: short protein forms K1205fs.
Identifiers: ClinVar variation 1313818 (VCV001313818.2), dbSNP rs1762614292, ClinGen allele CA2497131952.
Genomic context (GRCh38, chr5:179,113,885, plus strand): 5'-TAAGCAAGAAAAAAATGCTAGGGATGCTATCTTTCCATTTTATTAGAACTTTCCGAGCAT[CTCTT>C]TCTTCCGCATCTCATCAATGAGCTCTTGGATTCTTTGGTTTCTGGTCTTTTCATAGGGGC-3'

ClinVar aggregate classification (germline): Uncertain significance (1 of 4 stars; one submission).

Submission:

GeneDx
Classification: Uncertain significance. Last evaluated: 2021-01-06. Review status: criteria provided, single submitter. Criteria: GeneDx Variant Classification Process June 2021. Collection method: clinical testing. Allele origin: germline. Affected: yes.
Comment: Not observed in large population cohorts (Lek et al., 2016); Frameshift variant predicted to result in protein truncation as the last 7 amino acids are replaced with 11 different amino acids, although loss-of-function variants have not been reported downstream of this position in the protein; Has not been previously published as pathogenic or benign to our knowledge